The following is an entry in ClinVar:

NM_001379110.1(SLC9A6):c.638-2A>G

Gene: SLC9A6 (solute carrier family 9 member A6; plus strand). Cytogenetic location: Xq26.3.
Variant type: single nucleotide variant.
Coding change: c.638-2A>G on transcript NM_001379110.1 (MANE Select); the canonical splice acceptor site of the intron before coding-DNA position 638, A replaced by G.
Molecular consequence: splice acceptor variant.
Genome position (GRCh38, 1-based): chrX:136,002,106, A>G. VCF-style: chrX-136002106-A-G. GRCh37 (hg19) VCF-style: chrX-135084265-A-G.
Other names: c.638-2A>G (NM_001400909.1, NM_001400910.1, NM_001400911.1 and 2 more transcripts); c.794-2A>G (NM_001042537.2); c.698-2A>G (NM_006359.3); c.542-2A>G (NM_001400913.1, NM_001330652.2).
Identifiers: ClinVar variation 2152353 (VCV002152353.4), dbSNP rs2521219756, ClinGen allele CA414750320.

ClinVar aggregate classification (germline): Likely pathogenic (1 of 4 stars; one submission).

Conditions:
Christianson syndrome (MRXSCH). Also called: INTELLECTUAL DEVELOPMENTAL DISORDER, X-LINKED, SYNDROMIC, CHRISTIANSON TYPE; X-linked mental retardation, syndromic, Christianson type; SLC9A6-Related Syndromic Mental Retardation. Identifiers: Orphanet 85278, MedGen C2678194, MONDO:0010278, OMIM 300243.

Submission:

Labcorp Genetics (formerly Invitae), Labcorp
Classification: Likely pathogenic for Christianson syndrome. Last evaluated: 2021-12-27. Review status: criteria provided, single submitter. Criteria: Invitae Variant Classification Sherloc (09022015). Collection method: clinical testing. Allele origin: germline.
Comment: This sequence change affects an acceptor splice site in intron 5 of the SLC9A6 gene. It is expected to disrupt RNA splicing. Variants that disrupt the donor or acceptor splice site typically lead to a loss of protein function (PMID: 16199547), and loss-of-function variants in SLC9A6 are known to be pathogenic (PMID: 18342287). This variant is not present in population databases (gnomAD no frequency). Disruption of this splice site has been observed in individual(s) with clinical features of SLC9A6-related conditions (PMID: 29588952). This variant is also known as c.794-2A>G. Algorithms developed to predict the effect of sequence changes on RNA splicing suggest that this variant may disrupt the consensus splice site. In summary, the currently available evidence indicates that the variant is pathogenic, but additional data are needed to prove that conclusively. Therefore, this variant has been classified as Likely Pathogenic.

Literature cited by the submitters: PubMed 16199547; PubMed 18342287; PubMed 29588952.